The following is an entry in ClinVar:

ClinVar aggregate classification (germline): Benign/Likely benign. Review status: criteria provided, multiple submitters, no conflicts (2 of 4 stars). 10 submissions from 10 submitters: Benign (2); Likely benign (8). Last evaluated 2026-01-08.

Conditions:
Ehlers-Danlos syndrome, classic type, 2 (EDSCL2). Also called: Ehlers-Danlos syndrome, type 2; Ehlers-Danlos syndrome type 2 (formerly); Ehlers-Danlos Syndrome, Classic Type, COL5A2-Related. Identifiers: Orphanet 287, Orphanet 90318, MedGen C0268336, MONDO:0019568, OMIM 130010.
Ehlers-Danlos syndrome, classic type, 1 (EDSCL1). Also called: Ehlers-Danlos syndrome, type 1; Ehlers-Danlos Syndrome, Classic Type, COL5A1-Related; EDS I; EHLERS-DANLOS SYNDROME, GRAVIS TYPE; EHLERS-DANLOS SYNDROME, SEVERE CLASSIC TYPE. Identifiers: MedGen C0268335, MONDO:0019567, OMIM 130000.
Ehlers-Danlos syndrome (EDS). Identifiers: Orphanet 98249, MedGen C0013720, MONDO:0020066.
Familial thoracic aortic aneurysm and aortic dissection (TAAD). Also called: Thoracic aortic aneurysms and dissections. Identifiers: Orphanet 91387, MedGen C4707243, MONDO:0019625.

Allele frequency attached by ClinVar (database versions not stated): 1000 Genomes Project 30x 0.00016; 1000 Genomes Project 0.00020; ExAC 0.00021; gnomAD exomes 0.00023 and 0.00041; TOPMed 0.00023; gnomAD 0.00026; ESP Exome Variant Server 0.00062.
gnomAD v4.1: 630 of 1,614,012 alleles (0.039%); highest among the groups gnomAD compares: Non-Finnish European, 0.052%; 2 homozygotes.

Submissions (10):

Labcorp Genetics (formerly Invitae), Labcorp
Classification: Likely benign for Ehlers-Danlos syndrome, classic type, 1. Last evaluated: 2026-01-08. Review status: criteria provided, single submitter. Criteria: Invitae Variant Classification Sherloc (09022015). Collection method: clinical testing. Allele origin: germline.

Mayo Clinic Laboratories, Mayo Clinic
Classification: Likely benign. Last evaluated: 2025-07-30. Review status: criteria provided, single submitter. Criteria: ACMG Guidelines, 2015. Collection method: clinical testing. Allele origin: germline. Observed: 8 variant alleles.
Comment: BS1, BP4, BP7

Blueprint Genetics
Classification: Likely benign. Last evaluated: 2024-07-03. Review status: criteria provided, single submitter. Criteria: ACMG Guidelines, 2015. Collection method: clinical testing. Allele origin: germline.

Women's Health and Genetics/Laboratory Corporation of America, LabCorp
Classification: Benign. Last evaluated: 2024-01-01. Review status: criteria provided, single submitter. Criteria: LabCorp Variant Classification Summary - May 2015. Collection method: clinical testing. Allele origin: germline.

CeGaT Center for Human Genetics Tuebingen
Classification: Likely benign. Last evaluated: 2023-11-01. Review status: criteria provided, single submitter. Criteria: CeGaT Center For Human Genetics Tuebingen Variant Classification Criteria Version 2. Collection method: clinical testing. Allele origin: germline. Affected: yes. Observed: 1 variant allele.
Comment: COL5A2: BP4, BP7

Genome Diagnostics Laboratory, The Hospital for Sick Children
Classification: Likely benign for Ehlers-Danlos syndrome. Last evaluated: 2019-11-01. Review status: criteria provided, single submitter. Criteria: ACMG Guidelines, 2015. Collection method: clinical testing. Allele origin: germline.

Illumina Laboratory Services, Illumina
Classification: Likely benign for Ehlers-Danlos syndrome, classic type, 2. Last evaluated: 2018-01-12. Review status: criteria provided, single submitter. Criteria: ICSL Variant Classification Criteria 13 December 2019. Collection method: clinical testing. Allele origin: germline.
Comment: This variant was observed in the ICSL laboratory as part of a predisposition screen in an ostensibly healthy population. It had not been previously curated by ICSL or reported in the Human Gene Mutation Database (HGMD: prior to June 1st, 2018), and was therefore a candidate for classification through an automated scoring system. Utilizing variant allele frequency, disease prevalence and penetrance estimates, and inheritance mode, an automated score was calculated to assess if this variant is too frequent to cause the disease. Based on the score and internal cut-off values, a variant classified as likely benign is not then subjected to further curation. The score for this variant resulted in a classification of likely benign for this disease.

Ambry Genetics
Classification: Likely benign for Familial thoracic aortic aneurysm and aortic dissection. Last evaluated: 2016-08-09. Review status: criteria provided, single submitter. Criteria: Ambry Variant Classification Scheme 2023. Collection method: clinical testing. Allele origin: germline.

GeneDx
Classification: Benign. Last evaluated: 2014-04-23. Review status: criteria provided, single submitter. Criteria: GeneDx Variant Classification (06012015). Collection method: clinical testing. Allele origin: germline. Affected: yes.
Comment: This variant is considered likely benign or benign based on one or more of the following criteria: it is a conservative change, it occurs at a poorly conserved position in the protein, it is predicted to be benign by multiple in silico algorithms, and/or has population frequency not consistent with disease.

PreventionGenetics, part of Exact Sciences
Classification: Likely benign. Review status: criteria provided, single submitter. Criteria: ACMG Guidelines, 2015. Collection method: clinical testing. Allele origin: germline.

NM_000393.5(COL5A2):c.4392T>C (p.Tyr1464=)

Gene: COL5A2 (collagen type V alpha 2 chain; minus strand). Cytogenetic location: 2q32.2.
Variant type: single nucleotide variant.
Coding change: c.4392T>C on transcript NM_000393.5 (MANE Select); coding-DNA position 4392, T replaced by C.
Protein change: p.Tyr1464=; no amino-acid change (tyrosine 1464 retained).
Molecular consequence: synonymous variant.
Genome position (GRCh38, 1-based): chr2:189,034,178, A>G on the plus strand (T>C on the coding strand, the complement: COL5A2 is on the minus strand). VCF-style: chr2-189034178-A-G. GRCh37 (hg19) VCF-style: chr2-189898904-A-G.
Other names: p.Y1464Y:TAT>TAC; p.Tyr1464=.
Identifiers: ClinVar variation 136958 (VCV000136958.51), dbSNP rs142544320, ClinGen allele CA290402.